The following is an entry in ClinVar:

NM_000293.3(PHKB):c.2861A>G (p.Asn954Ser)

Gene: PHKB (phosphorylase kinase regulatory subunit beta; plus strand). Cytogenetic location: 16q12.1.
Variant type: single nucleotide variant.
Coding change: c.2861A>G on transcript NM_000293.3 (MANE Select); coding-DNA position 2861, A replaced by G.
Protein change: p.Asn954Ser; replaces asparagine 954 with serine.
Molecular consequence: missense variant.
Genome position (GRCh38, 1-based): chr16:47,693,473, A>G. VCF-style: chr16-47693473-A-G. GRCh37 (hg19) VCF-style: chr16-47727384-A-G.
Other names: c.2840A>G, p.Asn947Ser (NM_001031835.3); c.2861A>G, p.Asn954Ser (NM_001363837.1); c.2861A>G (NM_000293.2); short protein forms N954S, N947S.
Identifiers: ClinVar variation 2077801 (VCV002077801.2), dbSNP rs147624679, ClinGen allele CA8041351.

ClinVar aggregate classification (germline): Uncertain significance. Review status: criteria provided, multiple submitters, no conflicts (2 of 4 stars). 2 submissions from 2 submitters: Uncertain significance (2). Last evaluated 2023-10-13.

Conditions:
Inborn genetic diseases. Identifiers: MedGen C0950123, MeSH D030342.
Glycogen storage disease IXb (GSD9B). Also called: GLYCOGENOSIS OF LIVER AND MUSCLE, AUTOSOMAL RECESSIVE; GSD IXb; PHOSPHORYLASE KINASE DEFICIENCY OF LIVER AND MUSCLE, AUTOSOMAL RECESSIVE. Identifiers: Orphanet 79240, MedGen C0543514, MONDO:0009868, OMIM 261750.

Allele frequency attached by ClinVar (database versions not stated): gnomAD 0.00001; ExAC 0.00006; TOPMed 0.00008; ESP Exome Variant Server 0.00015.
gnomAD v4.1: 38 of 1,614,096 alleles (0.0024%); highest among the groups gnomAD compares: East Asian, 0.022%; no homozygotes.

Submissions (2):

Ambry Genetics
Classification: Uncertain significance for Inborn genetic diseases. Last evaluated: 2023-10-13. Review status: criteria provided, single submitter. Criteria: Ambry Variant Classification Scheme 2023. Collection method: clinical testing. Allele origin: germline.

Labcorp Genetics (formerly Invitae), Labcorp
Classification: Uncertain significance for Glycogen storage disease IXb. Last evaluated: 2022-02-04. Review status: criteria provided, single submitter. Criteria: Invitae Variant Classification Sherloc (09022015). Collection method: clinical testing. Allele origin: germline.
Comment: This sequence change replaces asparagine, which is neutral and polar, with serine, which is neutral and polar, at codon 954 of the PHKB protein (p.Asn954Ser). This variant is present in population databases (rs147624679, gnomAD 0.05%). This variant has not been reported in the literature in individuals affected with PHKB-related conditions. Algorithms developed to predict the effect of missense changes on protein structure and function (SIFT, PolyPhen-2, Align-GVGD) all suggest that this variant is likely to be tolerated. In summary, the available evidence is currently insufficient to determine the role of this variant in disease. Therefore, it has been classified as a Variant of Uncertain Significance.